The following is an entry in ClinVar:

NM_030578.4(B9D2):c.524G>A (p.Cys175Tyr)

Gene: B9D2 (B9 domain containing 2; minus strand). Cytogenetic location: 19q13.2.
Variant type: single nucleotide variant.
Coding change: c.524G>A on transcript NM_030578.4 (MANE Select); coding-DNA position 524, G replaced by A.
Protein change: p.Cys175Tyr; replaces cysteine 175 with tyrosine.
Molecular consequence: missense variant.
Genome position (GRCh38, 1-based): chr19:41,354,704, C>T on the plus strand (G>A on the coding strand, the complement: B9D2 is on the minus strand). VCF-style: chr19-41354704-C-T. GRCh37 (hg19) VCF-style: chr19-41860609-C-T.
Other names: c.524G>A (NM_030578.3); short protein forms C175Y.
Identifiers: ClinVar variation 4942463 (VCV004942463.2).

ClinVar aggregate classification (germline): Conflicting classifications of pathogenicity. Review status: criteria provided, conflicting classifications (1 of 4 stars). 2 submissions from 2 submitters: Uncertain significance (1); Likely benign (1). Last evaluated 2026-06-11.

Conditions:
B9D2-related disorder. Also called: B9D2-related condition.

gnomAD v4.1: 177 of 1,614,048 alleles (0.011%); highest among the groups gnomAD compares: Non-Finnish European, 0.0055%; no homozygotes.

Submissions (2):

PreventionGenetics, part of Exact Sciences
Classification: Uncertain significance for B9D2-related condition. Last evaluated: 2026-06-11. Review status: criteria provided, single submitter. Criteria: ACMG Guidelines, 2015. Collection method: clinical testing. Allele origin: germline.
Comment: The B9D2 c.524G>A variant is predicted to result in the amino acid substitution p.Cys175Tyr. To our knowledge, this variant has not been reported in the literature. This variant is reported in 0.14% of alleles in individuals of European (Finnish) descent in gnomAD. At this time, the clinical significance of this variant is uncertain due to the absence of conclusive functional and genetic evidence.

Blueprint Genetics
Classification: Likely benign. Last evaluated: 2024-10-07. Review status: criteria provided, single submitter. Criteria: ACMG Guidelines, 2015. Collection method: clinical testing. Allele origin: germline.